The following is an entry in ClinVar:

NM_182914.3(SYNE2):c.3235A>G (p.Thr1079Ala)

Gene: SYNE2 (spectrin repeat containing nuclear envelope protein 2; plus strand). Cytogenetic location: 14q23.2.
Variant type: single nucleotide variant.
Coding change: c.3235A>G on transcript NM_182914.3 (MANE Select); coding-DNA position 3235, A replaced by G.
Protein change: p.Thr1079Ala; replaces threonine 1079 with alanine.
Molecular consequence: missense variant.
Genome position (GRCh38, 1-based): chr14:63,997,383, A>G. VCF-style: chr14-63997383-A-G. GRCh37 (hg19) VCF-style: chr14-64464101-A-G.
Other names: c.3235A>G, p.Thr1079Ala (NM_015180.6); short protein forms T1079A.
Identifiers: ClinVar variation 195914 (VCV000195914.44), dbSNP rs192128801, ClinGen allele CA242588.

ClinVar aggregate classification (germline): Conflicting classifications of pathogenicity. Review status: criteria provided, conflicting classifications (1 of 4 stars). 6 submissions from 6 submitters: Uncertain significance (1); Benign (1); Likely benign (4). Last evaluated 2026-02-01.

Conditions:
SYNE2-related disorder. Also called: SYNE2-related condition.
Emery-Dreifuss muscular dystrophy 5, autosomal dominant (EDMD5). Also called: EMERY-DREIFUSS MUSCULAR DYSTROPHY 5. Identifiers: Orphanet 261, MedGen C2751805, MONDO:0013072, OMIM 612999.

Allele frequency attached by ClinVar (database versions not stated): gnomAD exomes 0.00109 and 0.00148; ExAC 0.00134; 1000 Genomes Project 30x 0.00047; 1000 Genomes Project 0.00060; gnomAD 0.00100 and 0.00103; TOPMed 0.00105; ESP Exome Variant Server 0.00109.
gnomAD v4.1: 2,287 of 1,612,088 alleles (0.14%); highest among the groups gnomAD compares: Admixed American, 0.2%; 1 homozygote.

Submissions (6):

Labcorp Genetics (formerly Invitae), Labcorp
Classification: Likely benign for Emery-Dreifuss muscular dystrophy 5, autosomal dominant. Last evaluated: 2026-02-01. Review status: criteria provided, single submitter. Criteria: Invitae Variant Classification Sherloc (09022015). Collection method: clinical testing. Allele origin: germline.

PreventionGenetics, part of Exact Sciences
Classification: Likely benign for SYNE2-related condition. Last evaluated: 2025-09-18. Review status: criteria provided, single submitter. Criteria: ACMG Guidelines, 2015. Collection method: clinical testing. Allele origin: germline.
Comment: This variant is classified as likely benign based on ACMG/AMP sequence variant interpretation guidelines (Richards et al. 2015 PMID: 25741868, with internal and published modifications).

CeGaT Center for Human Genetics Tuebingen
Classification: Likely benign. Last evaluated: 2025-07-01. Review status: criteria provided, single submitter. Criteria: CeGaT Center For Human Genetics Tuebingen Variant Classification Criteria Version 2. Collection method: clinical testing. Allele origin: germline. Affected: yes. Observed: 4 variant alleles.
Comment: SYNE2: BP4, BS1

Athena Diagnostics
Classification: Likely benign. Last evaluated: 2025-01-06. Review status: criteria provided, single submitter. Criteria: Athena Diagnostics Criteria. Collection method: clinical testing. Allele origin: unknown.
Comment: The frequency of this variant in the general population is higher than would generally be expected for pathogenic variants in this gene. Computational tools predict this amino acid change may be benign.

Illumina Laboratory Services, Illumina
Classification: Benign for Emery-Dreifuss muscular dystrophy 5, autosomal dominant. Last evaluated: 2018-01-12. Review status: criteria provided, single submitter. Criteria: ICSL Variant Classification Criteria 13 December 2019. Collection method: clinical testing. Allele origin: germline.
Comment: This variant was observed in the ICSL laboratory as part of a predisposition screen in an ostensibly healthy population. It had not been previously curated by ICSL or reported in the Human Gene Mutation Database (HGMD: prior to June 1st, 2018), and was therefore a candidate for classification through an automated scoring system. Utilizing variant allele frequency, disease prevalence and penetrance estimates, and inheritance mode, an automated score was calculated to assess if this variant is too frequent to cause the disease. Based on the score and internal cut-off values, a variant classified as benign is not then subjected to further curation. The score for this variant resulted in a classification of benign for this disease.

Eurofins Ntd Llc (ga)
Classification: Uncertain significance. Last evaluated: 2015-07-31. Review status: criteria provided, single submitter. Criteria: EGL Classification Definitions 2015. Collection method: clinical testing. Allele origin: germline. Observed: 6 variant alleles, 6 heterozygotes.

Literature cited by the submitters: PubMed 29970176 (cited by Athena Diagnostics); PubMed 29590070 (cited by Athena Diagnostics).